The following is an entry in ClinVar:

NM_004329.3(BMPR1A):c.326A>G (p.Gln109Arg)

Gene: BMPR1A (bone morphogenetic protein receptor type 1A; plus strand). Cytogenetic location: 10q23.2.
Variant type: single nucleotide variant.
Coding change: c.326A>G on transcript NM_004329.3 (MANE Select); coding-DNA position 326, A replaced by G.
Protein change: p.Gln109Arg; replaces glutamine 109 with arginine.
Molecular consequence: missense variant.
Genome position (GRCh38, 1-based): chr10:86,892,222, A>G. VCF-style: chr10-86892222-A-G. GRCh37 (hg19) VCF-style: chr10-88651979-A-G.
Other names: c.326A>G, p.Gln109Arg (NM_001406566.1, NM_001406567.1, NM_001406568.1 and 23 more transcripts); c.242A>G, p.Gln81Arg (NM_001406584.1, NM_001406585.1, NM_001406586.1 and 2 more transcripts); short protein forms Q109R, Q81R.
Identifiers: ClinVar variation 1713958 (VCV001713958.8), dbSNP rs2539446655, ClinGen allele CA377448362.
Genomic context (GRCh38, chr10:86,892,222, plus strand): 5'-ATGACCAGGGAGAAACCACATTAGCTTCAGGGTGTATGAAATATGAAGGATCTGATTTTC[A>G]GTGCAAAGTAAGATATAATTTGGGACCCATGAGACAAAGAAGGGAGGGGCCATATGAAAG-3'
Protein context (NP_004320.2, residues 99-119): GCMKYEGSDF[Gln109Arg]CKDSPKAQLR

ClinVar aggregate classification (germline): Uncertain significance. Review status: criteria provided, multiple submitters, no conflicts (2 of 4 stars). 2 submissions from 2 submitters: Uncertain significance (2). Last evaluated 2026-07-17.

Conditions:
Hereditary cancer-predisposing syndrome. Also called: Tumor predisposition; Hereditary neoplastic syndrome; Neoplastic Syndromes, Hereditary; Hereditary Cancer Syndrome. Identifiers: Orphanet 140162, MedGen C0027672, MeSH D009386, MONDO:0015356.
Juvenile polyposis syndrome (JPS). Identifiers: Orphanet 2929, MedGen C0345893, MONDO:0017380, OMIM 174900.

Submissions (2):

Ambry Genetics
Classification: Uncertain significance for Hereditary cancer-predisposing syndrome. Last evaluated: 2026-07-17. Review status: criteria provided, single submitter. Criteria: Ambry Variant Classification Scheme 2023. Collection method: clinical testing. Allele origin: germline.
Comment: The p.Q109R variant (also known as c.326A>G), located in coding exon 3 of the BMPR1A gene, results from an A to G substitution at nucleotide position 326. The glutamine at codon 109 is replaced by arginine, an amino acid with highly similar properties. This variant was reported in individual(s) with features consistent with BMPR1A-related juvenile polyposis syndrome (Ambry internal data). This amino acid position is highly conserved in available vertebrate species. In addition, this alteration is predicted to be deleterious by in silico analysis. Based on the available evidence, the clinical significance of this variant remains unclear.

Labcorp Genetics (formerly Invitae), Labcorp
Classification: Uncertain significance for Juvenile polyposis syndrome. Last evaluated: 2022-07-27. Review status: criteria provided, single submitter. Criteria: Invitae Variant Classification Sherloc (09022015). Collection method: clinical testing. Allele origin: germline.
Comment: This sequence change replaces glutamine, which is neutral and polar, with arginine, which is basic and polar, at codon 109 of the BMPR1A protein (p.Gln109Arg). This variant is not present in population databases (gnomAD no frequency). This variant has not been reported in the literature in individuals affected with BMPR1A-related conditions. Advanced modeling of protein sequence and biophysical properties (such as structural, functional, and spatial information, amino acid conservation, physicochemical variation, residue mobility, and thermodynamic stability) performed at Invitae indicates that this missense variant is expected to disrupt BMPR1A protein function. In summary, the available evidence is currently insufficient to determine the role of this variant in disease. Therefore, it has been classified as a Variant of Uncertain Significance.